The following is an entry in ClinVar:

ClinVar aggregate classification (germline): Pathogenic (1 of 4 stars; one submission).

Submission:

GeneDx
Classification: Pathogenic. Last evaluated: 2018-12-18. Review status: criteria provided, single submitter. Criteria: GeneDx Variant Classification (06012015). Collection method: clinical testing. Allele origin: germline. Affected: yes.
Comment: The c.2810delA variant in the ANKRD11 has not been published as a pathogenic variant, nor has it been reported as a benign variant to our knowledge. The c.2810delA variant causes a frameshift starting with codon Lysine 937, changes this amino acid to an Arginine residue and creates a premature Stop codon at position 40 of the new reading frame, denoted p.Lys937ArgfsX40. This variant is predicted to cause loss of normal protein function either through protein truncation or nonsense-mediated mRNA decay. The c.2810delA variant is not observed in large population cohorts (Lek et al., 2016). Therefore, the c.2810delA variant is considered a pathogenic variant.

NM_013275.6(ANKRD11):c.2810del (p.Lys937fs)

Gene: ANKRD11 (ankyrin repeat domain containing 11; minus strand). Cytogenetic location: 16q24.3.
Variant type: Deletion.
Coding change: c.2810del on transcript NM_013275.6 (MANE Select); coding-DNA position 2810, one base deleted (A; older notation c.2810delA).
Protein change: p.Lys937fs; shifts the reading frame from lysine 937.
Molecular consequence: frameshift variant.
Genome position (GRCh38, 1-based): chr16:89,283,732, T deleted on the plus strand (A on the coding strand, the reverse complement: ANKRD11 is on the minus strand); the first of 4 consecutive T bases (chr16:89,283,732-89,283,735); deleting any one gives the same sequence. VCF-style (leftmost placement, unchanged base first): chr16-89283731-CT-C. GRCh37 (hg19) VCF-style: chr16-89350139-CT-C.
Other names: c.2810del, p.Lys937fs (NM_001256182.2, NM_001256183.2); short protein forms K937fs.
Identifiers: ClinVar variation 817956 (VCV000817956.1), dbSNP rs1597459152, ClinGen allele CA915949398.